The following is an entry in ClinVar:

NM_000543.5(SMPD1):c.395T>C (p.Val132Ala)

Gene: SMPD1 (sphingomyelin phosphodiesterase 1; plus strand). Cytogenetic location: 11p15.4.
Variant type: single nucleotide variant.
Coding change: c.395T>C on transcript NM_000543.5 (MANE Select); coding-DNA position 395, T replaced by C.
Protein change: p.Val132Ala; replaces valine 132 with alanine.
Molecular consequence: missense variant. On other transcripts: 5 prime UTR variant (1), non-coding transcript variant (2).
Genome position (GRCh38, 1-based): chr11:6,391,460, T>C. VCF-style: chr11-6391460-T-C. GRCh37 (hg19) VCF-style: chr11-6412690-T-C.
Other names: c.392T>C, p.Val131Ala (NM_001007593.3); c.395T>C, p.Val132Ala (NM_001318087.2, NM_001365135.2); c.-567T>C (NM_001318088.2); short protein forms V131A, V132A.
Identifiers: ClinVar variation 4689379 (VCV004689379.1).

ClinVar aggregate classification (germline): Uncertain significance (1 of 4 stars; one submission).

Submission:

Women's Health and Genetics/Laboratory Corporation of America, LabCorp
Classification: Uncertain significance. Last evaluated: 2026-01-14. Review status: criteria provided, single submitter. Criteria: LabCorp Variant Classification Summary - May 2015. Collection method: clinical testing. Allele origin: germline.
Comment: Variant summary: SMPD1 c.395T>C (p.Val132Ala) results in a non-conservative amino acid change in the encoded protein sequence. Algorithms developed to predict the effect of missense changes on protein structure and function all suggest that this variant is likely to be disruptive. The variant was absent in 251310 control chromosomes. c.395T>C has been observed in a compound heterozygous individual affected with Niemann-Pick Disease, type B (Dardis_2005). At least two publications report experimental evidence evaluating an impact on protein function in vitro and found that the variant effect resulted in 13%-33% of normal activity (Dardis_2005, Rodriguez-Pascau_2009). The following publications have been ascertained in the context of this evaluation (PMID: 16010684, 19405096). No submitters have cited clinical-significance assessments for this variant to ClinVar. Based on the evidence outlined above, the variant was classified as VUS-possibly pathogenic.

Literature cited by the submitters: PubMed 16010684; PubMed 19405096.